The following is an entry in ClinVar:

ClinVar aggregate classification (germline): Likely benign. Review status: criteria provided, single submitter (1 of 4 stars). 2 submissions from 2 submitters: Likely benign (1). 1 of the submissions does not count toward it. Last evaluated 2026-01-28.

Conditions:
Bardet-Biedl syndrome (BBS). Identifiers: Orphanet 110, MedGen C0752166, MONDO:0015229.
BBS10-related disorder. Also called: BBS10-related condition.

Allele frequency attached by ClinVar (database versions not stated): gnomAD exomes below 0.00001; gnomAD 0.00001; TOPMed 0.00004.
gnomAD v4.1: 8 of 1,608,400 alleles (0.0005%); highest among the groups gnomAD compares: Admixed American, 0.0068%; no homozygotes.

Submissions (2):

Labcorp Genetics (formerly Invitae), Labcorp
Classification: Likely benign for Bardet-Biedl syndrome. Last evaluated: 2026-01-28. Review status: criteria provided, single submitter. Criteria: Invitae Variant Classification Sherloc (09022015). Collection method: clinical testing. Allele origin: germline.

PreventionGenetics, part of Exact Sciences
Classification: Likely benign for BBS10-related condition. Last evaluated: 2023-11-09. Review status: no assertion criteria provided. Collection method: clinical testing. Allele origin: germline. Not counted in ClinVar's aggregate classification.
Comment: This variant is classified as likely benign based on ACMG/AMP sequence variant interpretation guidelines (Richards et al. 2015 PMID: 25741868, with internal and published modifications).

NM_024685.4(BBS10):c.1866T>C (p.His622=)

Gene: BBS10 (Bardet-Biedl syndrome 10; minus strand). Cytogenetic location: 12q21.2.
Variant type: single nucleotide variant.
Coding change: c.1866T>C on transcript NM_024685.4 (MANE Select); coding-DNA position 1866, T replaced by C.
Protein change: p.His622=; no amino-acid change (histidine 622 retained).
Molecular consequence: synonymous variant.
Genome position (GRCh38, 1-based): chr12:76,346,119, A>G on the plus strand (T>C on the coding strand, the complement: BBS10 is on the minus strand). VCF-style: chr12-76346119-A-G. GRCh37 (hg19) VCF-style: chr12-76739899-A-G.
Other names: c.1866T>C (NM_024685.3).
Identifiers: ClinVar variation 1157334 (VCV001157334.12), dbSNP rs1167846126, ClinGen allele CA481010699.